The following is an entry in ClinVar:

NM_001374504.1(TMPRSS6):c.1442-2A>G

Gene: TMPRSS6 (transmembrane serine protease 6; minus strand). Cytogenetic location: 22q12.3.
Variant type: single nucleotide variant.
Coding change: c.1442-2A>G on transcript NM_001374504.1 (MANE Select); the canonical splice acceptor site of the intron before coding-DNA position 1442, A replaced by G.
Molecular consequence: splice acceptor variant.
Genome position (GRCh38, 1-based): chr22:37,073,647, T>C on the plus strand (A>G on the coding strand, the complement: TMPRSS6 is on the minus strand). VCF-style: chr22-37073647-T-C. GRCh37 (hg19) VCF-style: chr22-37469687-T-C.
Other names: c.1442-2A>G (NM_001289000.2, NM_001289001.2, NM_153609.4).
Identifiers: ClinVar variation 3648546 (VCV003648546.2).

ClinVar aggregate classification (germline): Likely pathogenic (1 of 4 stars; one submission).

gnomAD v4.1: 1 of 1,609,452 alleles (0.000062%); highest among the groups gnomAD compares: Non-Finnish European, 0.000085%; no homozygotes.

Submission:

Labcorp Genetics (formerly Invitae), Labcorp
Classification: Likely pathogenic. Last evaluated: 2024-04-02. Review status: criteria provided, single submitter. Criteria: Invitae Variant Classification Sherloc (09022015). Collection method: clinical testing. Allele origin: germline.
Comment: This sequence change affects an acceptor splice site in intron 12 of the TMPRSS6 gene. It is expected to disrupt RNA splicing. Variants that disrupt the donor or acceptor splice site typically lead to a loss of protein function (PMID: 16199547), and loss-of-function variants in TMPRSS6 are known to be pathogenic (PMID: 20232450, 25156943). This variant is not present in population databases (gnomAD no frequency). This variant has not been reported in the literature in individuals affected with TMPRSS6-related conditions. Algorithms developed to predict the effect of sequence changes on RNA splicing suggest that this variant may disrupt the consensus splice site. In summary, the currently available evidence indicates that the variant is pathogenic, but additional data are needed to prove that conclusively. Therefore, this variant has been classified as Likely Pathogenic.

Literature cited by the submitters: PubMed 16199547; PubMed 20232450; PubMed 25156943.